The following is an entry in ClinVar:

ClinVar aggregate classification (germline): Benign. Review status: reviewed by expert panel (3 of 4 stars). 2 submissions from 2 submitters: Benign (1). 1 of the submissions does not count toward it. Last evaluated 2020-05-13.

Conditions:
Hereditary thrombocytopenia and hematologic cancer predisposition syndrome. Identifiers: Orphanet 71290, MedGen CN281654, MONDO:0011071.
Hereditary thrombocytopenia and hematological cancer predisposition syndrome associated with RUNX1. Also called: PLATELET DISORDER, ASPIRIN-LIKE; RUNX1 Familial Platelet Disorder with Associated Myeloid Malignancies; Familial Platelet Disorder with Propensity to Acute Myelogenous Leukemia; Familial thrombocytopenia with propensity to acute myelogenous leukemia. Identifiers: Orphanet 71290, MedGen C1832388, MeSH C563324, MONDO:0100083, OMIM 601399.

Allele frequency attached by ClinVar (database versions not stated): gnomAD exomes 0.00601; gnomAD 0.00814 and 0.00867; TOPMed 0.00944; 1000 Genomes Project 30x 0.01515; 1000 Genomes Project 0.01617.
gnomAD v4.1: 1,771 of 233,294 alleles (0.76%); highest among the groups gnomAD compares: Admixed American, 2.9%; 27 homozygotes.

Submissions (2):

ClinGen Myeloid Malignancy Variant Curation Expert Panel
Classification: Benign for Hereditary thrombocytopenia and hematologic cancer predisposition syndrome. Last evaluated: 2020-05-13. Review status: reviewed by expert panel. Criteria: ClinGen MyeloMalig ACMG Specifications v1. Collection method: curation. Allele origin: germline. Inheritance: Autosomal dominant inheritance.
Comment: The c.*3060T>C variant in the 3' UTR has an MAF of 0.02835 (2.8%, 387/13650 alleles) in the Latino subpopulation of the gnomAD v3 cohort and is >= 0.0015 (0.15%) (BA1). This variant is detected in a homozygous state in 12 individuals in the gnomAD v3 population database (BP2). In summary, this variant meets criteria to be classified as benign. ACMG/AMP criteria applied, as specified by the Myeloid Malignancy Variant Curation Expert Panel for RUNX1: BA1, BP2.

Illumina Laboratory Services, Illumina
Classification: Benign for Hereditary thrombocytopenia and hematological cancer predisposition syndrome associated with RUNX1. Last evaluated: 2018-01-13. Review status: criteria provided, single submitter. Criteria: ICSL Variant Classification Criteria 13 December 2019. Collection method: clinical testing. Allele origin: germline. Not counted in ClinVar's aggregate classification.
Comment: This variant was observed in the ICSL laboratory as part of a predisposition screen in an ostensibly healthy population. It had not been previously curated by ICSL or reported in the Human Gene Mutation Database (HGMD: prior to June 1st, 2018), and was therefore a candidate for classification through an automated scoring system. Utilizing variant allele frequency, disease prevalence and penetrance estimates, and inheritance mode, an automated score was calculated to assess if this variant is too frequent to cause the disease. Based on the score and internal cut-off values, a variant classified as benign is not then subjected to further curation. The score for this variant resulted in a classification of benign for this disease.

NM_001754.5(RUNX1):c.*3060T>C

Gene: RUNX1 (RUNX family transcription factor 1; minus strand). Cytogenetic location: 21q22.12.
Variant type: single nucleotide variant.
Coding change: c.*3060T>C on transcript NM_001754.5 (MANE Select); 3060 bases downstream of the stop codon, T replaced by C.
Molecular consequence: 3 prime UTR variant.
Genome position (GRCh38, 1-based): chr21:34,789,075, A>G on the plus strand (T>C on the coding strand, the complement: RUNX1 is on the minus strand). VCF-style: chr21-34789075-A-G. GRCh37 (hg19) VCF-style: chr21-36161372-A-G.
Other names: c.*3060T>C (NM_001001890.3, NM_001754.4).
Identifiers: ClinVar variation 339815 (VCV000339815.6), dbSNP rs76478380, ClinGen allele CA10652910.